The following is an entry in ClinVar:

ClinVar aggregate classification (germline): Likely pathogenic (0 of 4 stars; one submission).

Conditions:
Developmental delay, impaired growth, dysmorphic facies, and axonal neuropathy. Identifiers: MedGen C5436781, MONDO:0030835, OMIM 619090.
Charcot-Marie-Tooth disease axonal type 2Z. Also called: CHARCOT-MARIE-TOOTH DISEASE, AXONAL, AUTOSOMAL DOMINANT, TYPE 2Z; CHARCOT-MARIE-TOOTH NEUROPATHY, TYPE 2Z. Identifiers: Orphanet 466768, MedGen C5569025, MONDO:0014736, OMIM 616688.

Submission:

Centre de Biologie Pathologie Génétique, Centre Hospitalier Universitaire de Lille
Classification: Likely pathogenic for Developmental delay, impaired growth, dysmorphic facies, and axonal neuropathy. Last evaluated: 2020-01-01. Review status: no assertion criteria provided. Collection method: clinical testing. Allele origin: germline. Affected: yes.

NM_001303256.3(MORC2):c.1238T>C (p.Val413Ala)

Gene: MORC2 (MORC family CW-type zinc finger 2; minus strand). Cytogenetic location: 22q12.2.
Variant type: single nucleotide variant.
Coding change: c.1238T>C on transcript NM_001303256.3 (MANE Select); coding-DNA position 1238, T replaced by C.
Protein change: p.Val413Ala; replaces valine 413 with alanine.
Molecular consequence: missense variant.
Genome position (GRCh38, 1-based): chr22:30,937,946, A>G on the plus strand (T>C on the coding strand, the complement: MORC2 is on the minus strand). VCF-style: chr22-30937946-A-G. GRCh37 (hg19) VCF-style: chr22-31333933-A-G.
Other names: c.1238T>C (NM_001303256.2); c.1238T>C, p.Val413Ala (NM_001303257.2); c.1052T>C, p.Val351Ala (NM_014941.3); short protein forms V351A, V413A.
Identifiers: ClinVar variation 1174103 (VCV001174103.2), dbSNP rs773676225, ClinGen allele CA411239058.